The following is an entry in ClinVar:

ClinVar aggregate classification (germline): Likely pathogenic (1 of 4 stars; one submission).

Conditions:
Cardiomyopathy, familial hypertrophic, 30, atrial (CMH30). Identifiers: MedGen C5935586, MONDO:0958241, OMIM 620734.

Submission:

Diagnostics Services (NGS), CSIR - Centre For Cellular And Molecular Biology
Classification: Likely pathogenic for Cardiomyopathy, familial hypertrophic, 30, atrial. Last evaluated: 2024-12-09. Review status: criteria provided, single submitter. Criteria: ACMG Guidelines, 2015. Collection method: clinical testing. Allele origin: unknown. Affected: no. Observed: 1 variant allele, 1 heterozygote.
Comment: The c.2004_2005del variant is not present in 1000 Genomes, EVS and Indian Exome Database. The variant is present in gnomAD and our internal database at low frequencies. This variant has neither been published in literature in individuals affected with CORIN-related conditions nor reported to the clinical databases like ClinVar, OMIM, or HGMD, in any affected individuals. In-silico pathogenicity prediction programs like MutationTaster2, CADD, Varsome, Franklin, etc. predicted this variant to be likely deleterious. This variant causes frameshift at the 669th amino acid position of the wild-type transcript which creates a premature translational stop signal at the altered transcript that may either result in translation of a truncated protein or cause nonsense mediated decay of the mRNA.

NM_006587.4(CORIN):c.2004_2005del (p.Ser669fs)

Gene: CORIN (corin, serine peptidase; minus strand). Cytogenetic location: 4p12.
Variant type: Microsatellite.
Coding change: c.2004_2005del on transcript NM_006587.4 (MANE Select); coding-DNA positions 2004 to 2005, 2 bases deleted (GT; older notation c.2004_2005delGT).
Protein change: p.Ser669fs; shifts the reading frame from serine 669.
Molecular consequence: frameshift variant.
Genome position (GRCh38, 1-based): chr4:47,643,209-47,643,210, AC deleted on the plus strand (GT on the coding strand, the reverse complement: CORIN is on the minus strand); deleting any 2 consecutive bases within chr4:47,643,209-47,643,216 gives the same sequence; the c. name uses the placement nearest the transcript's 3' end. VCF-style (leftmost placement, unchanged base first): chr4-47643208-GAC-G. GRCh37 (hg19) VCF-style: chr4-47645225-GAC-G.
Other names: c.1692_1693del, p.Ser565fs (NM_001278585.2); c.1893_1894del, p.Ser632fs (NM_001278586.2); short protein forms S565fs, S632fs, S669fs.
Identifiers: ClinVar variation 3767951 (VCV003767951.1).
Genomic context (GRCh38, chr4:47,643,208, plus strand): 5'-CAGTCCCATTCATCTGAACTGTCTGAGCAGTCGGCTTCACCATCACACCACAGGTCACGT[GAC>G]ACACACGCATGGTTTGCACATTCCAGCTCATCATCTTGGCAAAATGCTGGCATGGGGAAC-3'